The following is an entry in ClinVar:

NM_025179.4(PLXNA2):c.3077G>A (p.Arg1026Gln)

Gene: PLXNA2 (plexin A2; minus strand). Cytogenetic location: 1q32.2.
Variant type: single nucleotide variant.
Coding change: c.3077G>A on transcript NM_025179.4 (MANE Select); coding-DNA position 3077, G replaced by A.
Protein change: p.Arg1026Gln; replaces arginine 1026 with glutamine.
Molecular consequence: missense variant.
Genome position (GRCh38, 1-based): chr1:208,051,340, C>T on the plus strand (G>A on the coding strand, the complement: PLXNA2 is on the minus strand). VCF-style: chr1-208051340-C-T. GRCh37 (hg19) VCF-style: chr1-208224685-C-T.
Other names: short protein forms R1026Q.
Identifiers: ClinVar variation 2220171 (VCV002220171.8), dbSNP rs760505532, ClinGen allele CA1373292.

ClinVar aggregate classification (germline): Uncertain significance. Review status: criteria provided, multiple submitters, no conflicts (2 of 4 stars). 3 submissions from 3 submitters: Uncertain significance (2). 1 of the submissions does not count toward it. Last evaluated 2023-07-10.

Conditions:
PLXNA2-related disorder. Also called: PLXNA2-related condition.

Allele frequency attached by ClinVar (database versions not stated): gnomAD 0.00001; ExAC 0.00002; gnomAD exomes 0.00002; TOPMed 0.00003.

Submissions (3):

Labcorp Genetics (formerly Invitae), Labcorp
Classification: Uncertain significance. Last evaluated: 2023-07-10. Review status: criteria provided, single submitter. Criteria: Invitae Variant Classification Sherloc (09022015). Collection method: clinical testing. Allele origin: germline.
Comment: In summary, the available evidence is currently insufficient to determine the role of this variant in disease. Therefore, it has been classified as a Variant of Uncertain Significance. Advanced modeling of protein sequence and biophysical properties (such as structural, functional, and spatial information, amino acid conservation, physicochemical variation, residue mobility, and thermodynamic stability) performed at Invitae indicates that this missense variant is not expected to disrupt PLXNA2 protein function. ClinVar contains an entry for this variant (Variation ID: 2220171). This variant has not been reported in the literature in individuals affected with PLXNA2-related conditions. This variant is present in population databases (rs760505532, gnomAD 0.02%). This sequence change replaces arginine, which is basic and polar, with glutamine, which is neutral and polar, at codon 1026 of the PLXNA2 protein (p.Arg1026Gln).

Ambry Genetics
Classification: Uncertain significance. Last evaluated: 2021-11-12. Review status: criteria provided, single submitter. Criteria: Ambry Variant Classification Scheme 2023. Collection method: clinical testing. Allele origin: germline.

PreventionGenetics, part of Exact Sciences
Classification: Uncertain significance for PLXNA2-related condition. Last evaluated: 2023-12-14. Review status: no assertion criteria provided. Collection method: clinical testing. Allele origin: germline. Not counted in ClinVar's aggregate classification.
Comment: The PLXNA2 c.3077G>A variant is predicted to result in the amino acid substitution p.Arg1026Gln. To our knowledge, this variant has not been reported in the literature. This variant is reported in 0.015% of alleles in individuals of Latino descent in gnomAD. At this time, the clinical significance of this variant is uncertain due to the absence of conclusive functional and genetic evidence.